The following is an entry in ClinVar:

ClinVar aggregate classification (germline): Benign (1 of 4 stars; one submission).

Allele frequency attached by ClinVar (database versions not stated): 1000 Genomes Project 0.17712; 1000 Genomes Project 30x 0.17879; TOPMed 0.13392.
gnomAD v4.1: 17,260 of 151,186 alleles (11%); highest among the groups gnomAD compares: African/African-American, 35%; 2,801 homozygotes.

Submission:

GeneDx
Classification: Benign. Last evaluated: 2018-06-19. Review status: criteria provided, single submitter. Criteria: GeneDx Variant Classification (06012015). Collection method: clinical testing. Allele origin: germline. Affected: yes.
Comment: This variant is considered likely benign or benign based on one or more of the following criteria: it is a conservative change, it occurs at a poorly conserved position in the protein, it is predicted to be benign by multiple in silico algorithms, and/or has population frequency not consistent with disease.

NM_213599.3(ANO5):c.1630+228T>G

Gene: ANO5 (anoctamin 5; plus strand). Cytogenetic location: 11p14.3.
Variant type: single nucleotide variant.
Coding change: c.1630+228T>G on transcript NM_213599.3 (MANE Select); 228 bases into the intron after coding-DNA position 1630, T replaced by G.
Molecular consequence: intron variant.
Genome position (GRCh38, 1-based): chr11:22,259,969, T>G. VCF-style: chr11-22259969-T-G. GRCh37 (hg19) VCF-style: chr11-22281515-T-G.
Other names: c.1627+228T>G (NM_001142649.2).
Identifiers: ClinVar variation 677994 (VCV000677994.1), dbSNP rs7124796, ClinGen allele CA218766127.